The following is an entry in ClinVar:

ClinVar aggregate classification (germline): Uncertain significance. Review status: criteria provided, multiple submitters, no conflicts (2 of 4 stars). 2 submissions from 2 submitters: Uncertain significance (2). Last evaluated 2025-10-29.

Allele frequency attached by ClinVar (database versions not stated): gnomAD exomes 0.00003 and 0.00001; ExAC 0.00008.

Submissions (2):

Ambry Genetics
Classification: Uncertain significance. Last evaluated: 2025-10-29. Review status: criteria provided, single submitter. Criteria: Ambry Variant Classification Scheme 2023. Collection method: clinical testing. Allele origin: germline.

Labcorp Genetics (formerly Invitae), Labcorp
Classification: Uncertain significance. Last evaluated: 2021-09-01. Review status: criteria provided, single submitter. Criteria: Invitae Variant Classification Sherloc (09022015). Collection method: clinical testing. Allele origin: germline.
Comment: This sequence change replaces alanine with serine at codon 442 of the SAMD11 protein (p.Ala442Ser). The alanine residue is moderately conserved and there is a moderate physicochemical difference between alanine and serine. While this variant is present in population databases (rs778575996), the frequency information is unreliable, as metrics indicate poor data quality at this position in the ExAC database. This variant has not been reported in the literature in individuals affected with SAMD11-related conditions. Algorithms developed to predict the effect of missense changes on protein structure and function (SIFT, PolyPhen-2, Align-GVGD) all suggest that this variant is likely to be tolerated. In summary, the available evidence is currently insufficient to determine the role of this variant in disease. Therefore, it has been classified as a Variant of Uncertain Significance.

NM_001385641.1(SAMD11):c.1813G>T (p.Ala605Ser)

Gene: SAMD11 (sterile alpha motif domain containing 11; plus strand). Cytogenetic location: 1p36.33.
Variant type: single nucleotide variant.
Coding change: c.1813G>T on transcript NM_001385641.1 (MANE Select); coding-DNA position 1813, G replaced by T.
Protein change: p.Ala605Ser; replaces alanine 605 with serine.
Molecular consequence: missense variant.
Genome position (GRCh38, 1-based): chr1:942,818, G>T. VCF-style: chr1-942818-G-T. GRCh37 (hg19) VCF-style: chr1-878198-G-T.
Other names: c.1816G>T, p.Ala606Ser (NM_001385640.1); c.1324G>T, p.Ala442Ser (NM_152486.4); c.1324G>T (NM_152486.2); short protein forms A605S, A442S, A606S.
Identifiers: ClinVar variation 1496990 (VCV001496990.6), dbSNP rs778575996, ClinGen allele CA502997.